The following is an entry in ClinVar:

NM_000535.7(PMS2):c.807C>G (p.Ile269Met)

Gene: PMS2 (PMS1 homolog 2, mismatch repair system component; minus strand). Cytogenetic location: 7p22.1.
Variant type: single nucleotide variant.
Coding change: c.807C>G on transcript NM_000535.7 (MANE Select); coding-DNA position 807, C replaced by G.
Protein change: p.Ile269Met; replaces isoleucine 269 with methionine.
Molecular consequence: missense variant. On other transcripts: 5 prime UTR variant (2), non-coding transcript variant (1).
Genome position (GRCh38, 1-based): chr7:5,995,630, G>C on the plus strand (C>G on the coding strand, the complement: PMS2 is on the minus strand). VCF-style: chr7-5995630-G-C. GRCh37 (hg19) VCF-style: chr7-6035261-G-C.
Other names: c.402C>G, p.Ile134Met (NM_001322003.2, NM_001322004.2, NM_001322005.2 and 2 more transcripts); c.807C>G, p.Ile269Met (NM_001322006.2, NM_001322014.2); c.489C>G, p.Ile163Met (NM_001322007.2, NM_001322008.2); c.-127C>G (NM_001322011.2, NM_001322012.2); c.234C>G, p.Ile78Met (NM_001322013.2); c.498C>G, p.Ile166Met (NM_001322015.2); short protein forms I163M, I78M, I134M, I166M, I269M.
Identifiers: ClinVar variation 954179 (VCV000954179.12), dbSNP rs1784316728, ClinGen allele CA366743578.

ClinVar aggregate classification (germline): Uncertain significance. Review status: criteria provided, multiple submitters, no conflicts (2 of 4 stars). 3 submissions from 3 submitters: Uncertain significance (3). Last evaluated 2025-06-03.

Conditions:
Hereditary cancer-predisposing syndrome. Also called: Hereditary neoplastic syndrome; Tumor predisposition; Neoplastic Syndromes, Hereditary; Hereditary Cancer Syndrome. Identifiers: Orphanet 140162, MedGen C0027672, MeSH D009386, MONDO:0015356.
Hereditary nonpolyposis colorectal neoplasms. Identifiers: MedGen C0009405, MeSH D003123.

Allele frequency attached by ClinVar (database versions not stated): gnomAD exomes below 0.00001.
gnomAD v4.1: 2 of 1,604,270 alleles (0.00012%); highest among the groups gnomAD compares: Non-Finnish European, 0.00017%; no homozygotes.

Submissions (3):

Color Diagnostics, LLC DBA Color Health
Classification: Uncertain significance for Hereditary cancer-predisposing syndrome. Last evaluated: 2025-06-03. Review status: criteria provided, single submitter. Criteria: ACMG Guidelines, 2015. Collection method: clinical testing. Allele origin: germline.
Comment: This missense variant replaces isoleucine with methionine at codon 269 of the PMS2 protein. Computational prediction is inconclusive regarding the impact of this variant on protein structure and function. To our knowledge, functional studies have not been reported for this variant. This variant has not been reported in individuals affected with PMS2-related disorders in the literature. This variant has not been identified in the general population by the Genome Aggregation Database (gnomAD). The available evidence is insufficient to determine the role of this variant in disease conclusively. Therefore, this variant is classified as a Variant of Uncertain Significance.

Ambry Genetics
Classification: Uncertain significance for Hereditary cancer-predisposing syndrome. Last evaluated: 2022-09-23. Review status: criteria provided, single submitter. Criteria: Ambry Variant Classification Scheme 2023. Collection method: clinical testing. Allele origin: germline.
Comment: The p.I269M variant (also known as c.807C>G), located in coding exon 8 of the PMS2 gene, results from a C to G substitution at nucleotide position 807. The isoleucine at codon 269 is replaced by methionine, an amino acid with highly similar properties. This amino acid position is conserved. In addition, the in silico prediction for this alteration is inconclusive. Since supporting evidence is limited at this time, the clinical significance of this alteration remains unclear.

Labcorp Genetics (formerly Invitae), Labcorp
Classification: Uncertain significance for Hereditary nonpolyposis colorectal neoplasms. Last evaluated: 2019-10-12. Review status: criteria provided, single submitter. Criteria: Invitae Variant Classification Sherloc (09022015). Collection method: clinical testing. Allele origin: germline.
Comment: This sequence change replaces isoleucine with methionine at codon 269 of the PMS2 protein (p.Ile269Met). The isoleucine residue is moderately conserved and there is a small physicochemical difference between isoleucine and methionine. This variant is not present in population databases (ExAC no frequency). This variant has not been reported in the literature in individuals with PMS2-related conditions. Algorithms developed to predict the effect of missense changes on protein structure and function are either unavailable or do not agree on the potential impact of this missense change (SIFT: "Deleterious"; PolyPhen-2: "Possibly Damaging"; Align-GVGD: "Class C0"). In summary, the available evidence is currently insufficient to determine the role of this variant in disease. Therefore, it has been classified as a Variant of Uncertain Significance.